The following is an entry in ClinVar:

ClinVar aggregate classification (germline): Uncertain significance. Review status: criteria provided, multiple submitters, no conflicts (2 of 4 stars). 2 submissions from 2 submitters: Uncertain significance (2). Last evaluated 2026-08-23.

Conditions:
Familial thoracic aortic aneurysm and aortic dissection (TAAD). Also called: Thoracic aortic aneurysms and dissections. Identifiers: Orphanet 91387, MedGen C4707243, MONDO:0019625.
Marfan syndrome (MFS). Also called: Marfan syndrome, classic; Marfan syndrome type 1; Marfan's syndrome; FBN1-Related Marfan Syndrome; MARFAN SYNDROME, TYPE I. Identifiers: Orphanet 284963, Orphanet 558, MedGen C0024796, MONDO:0007947, OMIM 154700.

Allele frequency attached by ClinVar (database versions not stated): gnomAD exomes below 0.00001.
gnomAD v4.1: 3 of 1,613,674 alleles (0.00019%); highest among the groups gnomAD compares: Non-Finnish European, 0.00025%; no homozygotes.

Submissions (2):

Ambry Genetics
Classification: Uncertain significance for Familial thoracic aortic aneurysm and aortic dissection. Last evaluated: 2026-08-23. Review status: criteria provided, single submitter. Criteria: Ambry Variant Classification Scheme 2023. Collection method: clinical testing. Allele origin: germline.

Labcorp Genetics (formerly Invitae), Labcorp
Classification: Uncertain significance for Marfan syndrome; Familial thoracic aortic aneurysm and aortic dissection. Last evaluated: 2022-12-09. Review status: criteria provided, single submitter. Criteria: Invitae Variant Classification Sherloc (09022015). Collection method: clinical testing. Allele origin: germline.
Comment: Advanced modeling of protein sequence and biophysical properties (such as structural, functional, and spatial information, amino acid conservation, physicochemical variation, residue mobility, and thermodynamic stability) performed at Invitae indicates that this missense variant is expected to disrupt FBN1 protein function. This missense change has been observed in individual(s) with clinical features of FBN1-related conditions (Invitae). This variant is not present in population databases (gnomAD no frequency). This sequence change replaces valine, which is neutral and non-polar, with alanine, which is neutral and non-polar, at codon 1681 of the FBN1 protein (p.Val1681Ala). In summary, the available evidence is currently insufficient to determine the role of this variant in disease. Therefore, it has been classified as a Variant of Uncertain Significance.

NM_000138.5(FBN1):c.5042T>C (p.Val1681Ala)

Gene: FBN1 (fibrillin 1; minus strand). Cytogenetic location: 15q21.1.
Variant type: single nucleotide variant.
Coding change: c.5042T>C on transcript NM_000138.5 (MANE Select); coding-DNA position 5042, T replaced by C.
Protein change: p.Val1681Ala; replaces valine 1681 with alanine.
Molecular consequence: missense variant.
Genome position (GRCh38, 1-based): chr15:48,463,922, A>G on the plus strand (T>C on the coding strand, the complement: FBN1 is on the minus strand). VCF-style: chr15-48463922-A-G. GRCh37 (hg19) VCF-style: chr15-48756119-A-G.
Other names: c.5042T>C, p.Val1681Ala (NM_001406716.1); short protein forms V1681A.
Identifiers: ClinVar variation 2942168 (VCV002942168.4), dbSNP rs2505493193, ClinGen allele CA392349688.